The following is an entry in ClinVar:

ClinVar aggregate classification (germline): Uncertain significance (1 of 4 stars; one submission).

gnomAD v4.1: 3 of 1,614,126 alleles (0.00019%); highest among the groups gnomAD compares: Admixed American, 0.0017%; no homozygotes.

Submission:

Labcorp Genetics (formerly Invitae), Labcorp
Classification: Uncertain significance. Last evaluated: 2025-04-23. Review status: criteria provided, single submitter. Criteria: Invitae Variant Classification Sherloc (09022015). Collection method: clinical testing. Allele origin: germline.
Comment: This sequence change replaces serine, which is neutral and polar, with alanine, which is neutral and non-polar, at codon 470 of the ANKH protein (p.Ser470Ala). This variant is present in population databases (no rsID available, gnomAD 0.003%). This variant has not been reported in the literature in individuals affected with ANKH-related conditions. An algorithm developed to predict the effect of missense changes on protein structure and function (PolyPhen-2) suggests that this variant is likely to be tolerated. In summary, the available evidence is currently insufficient to determine the role of this variant in disease. Therefore, it has been classified as a Variant of Uncertain Significance.

NM_054027.6(ANKH):c.1408T>G (p.Ser470Ala)

Genes: ANKH (ANKH inorganic pyrophosphate transport regulator; minus strand), OTULIN (OTU deubiquitinase with linear linkage specificity; plus strand). Cytogenetic location: 5p15.2.
Variant type: single nucleotide variant.
Coding change: c.1408T>G on transcript NM_054027.6 (MANE Select); coding-DNA position 1408, T replaced by G.
Protein change: p.Ser470Ala; replaces serine 470 with alanine.
Molecular consequence: missense variant.
Genome position (GRCh38, 1-based): chr5:14,711,268, A>C on the plus strand (T>G on the coding strand, the complement: ANKH is on the minus strand). VCF-style: chr5-14711268-A-C. GRCh37 (hg19) VCF-style: chr5-14711377-A-C.
Other names: short protein forms S470A.
Identifiers: ClinVar variation 4696504 (VCV004696504.1).